The following is an entry in ClinVar:

NM_001378120.1(MBD5):c.1417A>G (p.Met473Val)

Gene: MBD5 (methyl-CpG binding domain protein 5; plus strand). Cytogenetic location: 2q23.1.
Variant type: single nucleotide variant.
Coding change: c.1417A>G on transcript NM_001378120.1 (MANE Select); coding-DNA position 1417, A replaced by G.
Protein change: p.Met473Val; replaces methionine 473 with valine.
Molecular consequence: missense variant.
Genome position (GRCh38, 1-based): chr2:148,469,360, A>G. VCF-style: chr2-148469360-A-G. GRCh37 (hg19) VCF-style: chr2-149226929-A-G.
Other names: c.1417A>G, p.Met473Val (NM_018328.5); short protein forms M473V.
Identifiers: ClinVar variation 424396 (VCV000424396.10), dbSNP rs1064796951, ClinGen allele CA16617235.

ClinVar aggregate classification (germline): Uncertain significance. Review status: criteria provided, multiple submitters, no conflicts (2 of 4 stars). 2 submissions from 2 submitters: Uncertain significance (2). Last evaluated 2024-07-14.

Conditions:
Intellectual developmental disorder, autosomal dominant 1. Also called: MBD5 Haploinsufficiency; Intellectual disability, autosomal dominant 1. Identifiers: Orphanet 228402, MedGen C1969562, MONDO:0007974, OMIM 156200.

Allele frequency attached by ClinVar (database versions not stated): gnomAD exomes below 0.00001 and 0.00001; TOPMed 0.00001.
gnomAD v4.1: 11 of 1,613,574 alleles (0.00068%); highest among the groups gnomAD compares: East Asian, 0.0067%; no homozygotes.

Submissions (2):

Labcorp Genetics (formerly Invitae), Labcorp
Classification: Uncertain significance for Intellectual developmental disorder, autosomal dominant 1. Last evaluated: 2024-07-14. Review status: criteria provided, single submitter. Criteria: Invitae Variant Classification Sherloc (09022015). Collection method: clinical testing. Allele origin: germline.
Comment: This sequence change replaces methionine, which is neutral and non-polar, with valine, which is neutral and non-polar, at codon 473 of the MBD5 protein (p.Met473Val). This variant is present in population databases (no rsID available, gnomAD 0.0009%). This variant has not been reported in the literature in individuals affected with MBD5-related conditions. ClinVar contains an entry for this variant (Variation ID: 424396). Advanced modeling of protein sequence and biophysical properties (such as structural, functional, and spatial information, amino acid conservation, physicochemical variation, residue mobility, and thermodynamic stability) performed at Invitae indicates that this missense variant is not expected to disrupt MBD5 protein function with a negative predictive value of 80%. In summary, the available evidence is currently insufficient to determine the role of this variant in disease. Therefore, it has been classified as a Variant of Uncertain Significance.

GeneDx
Classification: Uncertain significance. Last evaluated: 2017-03-20. Review status: criteria provided, single submitter. Criteria: GeneDx Variant Classification (06012015). Collection method: clinical testing. Allele origin: germline. Affected: yes.
Comment: A variant of uncertain significance has been identified in the MBD5 gene. The M473V variant has not been published as a pathogenic variant, nor has it been reported as a benign variant to our knowledge. The M473V variant is not observed in large population cohorts (Lek et al., 2016; 1000 Genomes Consortium et al., 2015; Exome Variant Server). This substitution occurs at a position that is conserved in mammals. However, the M473V variant is a conservative amino acid substitution, which is not likely to impact secondary protein structure as these residues share similar properties, and in silico analysis predicts this variant likely does not alter the protein structure/function. Additionally, to our knowledge, only loss-of-function pathogenic variants in MBD5 have been published in association with epilepsy. Therefore, based on the currently available information, it is unclear whether this variant is a pathogenic variant or a rare benign variant.